The following is an entry in ClinVar:

NM_000441.2(SLC26A4):c.1803+10C>T

Gene: SLC26A4 (solute carrier family 26 member 4; plus strand). Cytogenetic location: 7q22.3.
Variant type: single nucleotide variant.
Coding change: c.1803+10C>T on transcript NM_000441.2 (MANE Select); 10 bases into the intron after coding-DNA position 1803, C replaced by T.
Molecular consequence: intron variant.
Genome position (GRCh38, 1-based): chr7:107,701,206, C>T. VCF-style: chr7-107701206-C-T. GRCh37 (hg19) VCF-style: chr7-107341651-C-T.
Other names: p.?.
Identifiers: ClinVar variation 1094834 (VCV001094834.10), dbSNP rs776169470, ClinGen allele CA4432947.
Genomic context (GRCh38, chr7:107,701,206, plus strand): 5'-CTGAGGAAAATACAGAAACTAATAAAAAGTGGACAATTAAGAGCAACAAAGGTGAGATGA[C>T]ATCTTTCTTTTCCCCCTTAAATTATTTCCTTTCCCTGATGAGAGCAGTTAGAGGGTCTAA-3'

ClinVar aggregate classification (germline): Likely benign. Review status: criteria provided, multiple submitters, no conflicts (2 of 4 stars). 2 submissions from 2 submitters: Likely benign (2). Last evaluated 2025-03-31.

Allele frequency attached by ClinVar (database versions not stated): ExAC 0.00001; gnomAD 0.00001; gnomAD exomes 0.00001 and 0.00002; TOPMed 0.00001.

Submissions (2):

Mayo Clinic Laboratories, Mayo Clinic
Classification: Likely benign. Last evaluated: 2025-03-31. Review status: criteria provided, single submitter. Criteria: ACMG Guidelines, 2015. Collection method: clinical testing. Allele origin: germline. Observed: 1 variant allele.
Comment: BP4, BP7

Labcorp Genetics (formerly Invitae), Labcorp
Classification: Likely benign. Last evaluated: 2024-03-11. Review status: criteria provided, single submitter. Criteria: Invitae Variant Classification Sherloc (09022015). Collection method: clinical testing. Allele origin: germline.